The following is an entry in ClinVar:

ClinVar aggregate classification (germline): Pathogenic (1 of 4 stars; one submission).

Conditions:
Usher syndrome. Also called: Usher Syndromes; Usher's syndrome. Identifiers: Orphanet 886, MedGen CN469326, MeSH D052245, MONDO:0019501. Disease mechanism: loss of function.

Submission:

Women's Health and Genetics/Laboratory Corporation of America, LabCorp
Classification: Pathogenic for Usher syndrome. Last evaluated: 2025-12-19. Review status: criteria provided, single submitter. Criteria: LabCorp Variant Classification Summary - May 2015. Collection method: clinical testing. Allele origin: germline.
Comment: Variant summary: CDH23 c.2622delC (p.Thr875GlnfsX4) results in a premature termination codon, predicted to cause a truncation of the encoded protein or absence of the protein due to nonsense mediated decay, which are commonly known mechanisms for disease. The variant was absent in 249294 control chromosomes. To our knowledge, no occurrence of c.2622delC in individuals affected with CDH23-related conditions and no experimental evidence demonstrating its impact on protein function have been reported. No submitters have cited clinical-significance assessments for this variant to ClinVar. Based on the evidence outlined above, the variant was classified as pathogenic.

NM_022124.6(CDH23):c.2622del (p.Thr875fs)

Gene: CDH23 (cadherin related 23; plus strand). Cytogenetic location: 10q22.1.
Variant type: Deletion.
Coding change: c.2622del on transcript NM_022124.6 (MANE Select); coding-DNA position 2622, one base deleted (C; older notation c.2622delC).
Protein change: p.Thr875fs; shifts the reading frame from threonine 875.
Molecular consequence: frameshift variant.
Genome position (GRCh38, 1-based): chr10:71,702,583, C deleted; the last of 2 consecutive C bases (chr10:71,702,582-71,702,583); deleting either gives the same sequence. VCF-style (leftmost placement, unchanged base first): chr10-71702581-GC-G. GRCh37 (hg19) VCF-style: chr10-73462338-GC-G.
Other names: c.2622del, p.Thr875fs (NM_001171930.2, NM_001171931.2); c.2622delC (NM_022124.6); short protein forms T875fs.
Identifiers: ClinVar variation 4688200 (VCV004688200.1).